The following is an entry in ClinVar:

ClinVar aggregate classification (germline): Uncertain significance. Review status: criteria provided, multiple submitters, no conflicts (2 of 4 stars). 3 submissions from 3 submitters: Uncertain significance (3). Last evaluated 2025-07-31.

Conditions:
TRAP1-related disorder. Also called: TRAP1-related condition.

Allele frequency attached by ClinVar (database versions not stated): ExAC 0.00002.
gnomAD v4.1: 47 of 1,486,346 alleles (0.0032%); highest among the groups gnomAD compares: Admixed American, 0.027%; no homozygotes.

Submissions (3):

Labcorp Genetics (formerly Invitae), Labcorp
Classification: Uncertain significance. Last evaluated: 2025-07-31. Review status: criteria provided, single submitter. Criteria: Invitae Variant Classification Sherloc (09022015). Collection method: clinical testing. Allele origin: germline.
Comment: This sequence change replaces valine, which is neutral and non-polar, with methionine, which is neutral and non-polar, at codon 81 of the TRAP1 protein (p.Val81Met). This variant is present in population databases (rs574756274, gnomAD 0.03%). This variant has not been reported in the literature in individuals affected with TRAP1-related conditions. ClinVar contains an entry for this variant (Variation ID: 2398034). An algorithm developed to predict the effect of missense changes on protein structure and function (PolyPhen-2) suggests that this variant is likely to be disruptive. In summary, the available evidence is currently insufficient to determine the role of this variant in disease. Therefore, it has been classified as a Variant of Uncertain Significance.

PreventionGenetics, part of Exact Sciences
Classification: Uncertain significance for TRAP1-related condition. Last evaluated: 2025-01-07. Review status: criteria provided, single submitter. Criteria: ACMG Guidelines, 2015. Collection method: clinical testing. Allele origin: germline.
Comment: The TRAP1 c.241G>A variant is predicted to result in the amino acid substitution p.Val81Met. To our knowledge, this variant has not been reported in the literature. This variant is reported in 0.026% of alleles in individuals of Latino descent in gnomAD. At this time, the clinical significance of this variant is uncertain due to the absence of conclusive functional and genetic evidence.

Ambry Genetics
Classification: Uncertain significance. Last evaluated: 2022-12-20. Review status: criteria provided, single submitter. Criteria: Ambry Variant Classification Scheme 2023. Collection method: clinical testing. Allele origin: germline.

NM_016292.3(TRAP1):c.241G>A (p.Val81Met)

Gene: TRAP1 (TNF receptor associated protein 1; minus strand). Cytogenetic location: 16p13.3.
Variant type: single nucleotide variant.
Coding change: c.241G>A on transcript NM_016292.3 (MANE Select); coding-DNA position 241, G replaced by A.
Protein change: p.Val81Met; replaces valine 81 with methionine.
Molecular consequence: missense variant. On other transcripts: intron variant (1).
Genome position (GRCh38, 1-based): chr16:3,690,833, C>T on the plus strand (G>A on the coding strand, the complement: TRAP1 is on the minus strand). VCF-style: chr16-3690833-C-T. GRCh37 (hg19) VCF-style: chr16-3740834-C-T.
Other names: c.89-1696G>A (NM_001272049.2); short protein forms V81M.
Identifiers: ClinVar variation 2398034 (VCV002398034.5), dbSNP rs574756274, ClinGen allele CA7868807.